The following is an entry in ClinVar:

ClinVar aggregate classification (germline): Uncertain significance (1 of 4 stars; one submission).

Submission:

Ambry Genetics
Classification: Uncertain significance. Last evaluated: 2024-06-13. Review status: criteria provided, single submitter. Criteria: Ambry Variant Classification Scheme 2023. Collection method: clinical testing. Allele origin: germline.
Comment: The p.P856T variant (also known as c.2566C>A), located in coding exon 13 of the PALLD gene, results from a C to A substitution at nucleotide position 2566. The proline at codon 856 is replaced by threonine, an amino acid with highly similar properties. This amino acid position is conserved. In addition, this alteration is predicted to be tolerated by in silico analysis. Based on the available evidence, the clinical significance of this variant remains unclear.

NM_001166108.2(PALLD):c.2617C>A (p.Pro873Thr)

Genes: CBR4 (carbonyl reductase 4; minus strand), PALLD (palladin, cytoskeletal associated protein; plus strand). Cytogenetic location: 4q32.3.
Variant type: single nucleotide variant.
Coding change: c.2617C>A on transcript NM_001166108.2 (MANE Select); coding-DNA position 2617, C replaced by A.
Protein change: p.Pro873Thr; replaces proline 873 with threonine.
Molecular consequence: missense variant.
Genome position (GRCh38, 1-based): chr4:168,903,901, C>A. VCF-style: chr4-168903901-C-A. GRCh37 (hg19) VCF-style: chr4-169825052-C-A.
Other names: c.1420C>A, p.Pro474Thr (NM_001166109.2); c.1105C>A, p.Pro369Thr (NM_001166110.2); c.445C>A, p.Pro149Thr (NM_001367567.1, NM_001367569.1); c.496C>A, p.Pro166Thr (NM_001367568.1, NM_001367570.1); c.2566C>A, p.Pro856Thr (NM_016081.4); short protein forms P149T, P369T, P856T, P166T, P873T, P474T.
Identifiers: ClinVar variation 3304036 (VCV003304036.1).